The following is an entry in ClinVar:

ClinVar aggregate classification (germline): Uncertain significance (1 of 4 stars; one submission).

Submission:

Ambry Genetics
Classification: Uncertain significance. Last evaluated: 2024-03-25. Review status: criteria provided, single submitter. Criteria: Ambry Variant Classification Scheme 2023. Collection method: clinical testing. Allele origin: germline.
Comment: The p.A2720G variant (also known as c.8159C>G), located in coding exon 60 of the PRKDC gene, results from a C to G substitution at nucleotide position 8159. The alanine at codon 2720 is replaced by glycine, an amino acid with similar properties. This amino acid position is conserved. Based on the available evidence, the clinical significance of this alteration remains unclear.

NM_006904.7(PRKDC):c.8159C>G (p.Ala2720Gly)

Gene: PRKDC (protein kinase, DNA-activated, catalytic subunit; minus strand). Cytogenetic location: 8q11.21.
Variant type: single nucleotide variant.
Coding change: c.8159C>G on transcript NM_006904.7 (MANE Select); coding-DNA position 8159, C replaced by G.
Protein change: p.Ala2720Gly; replaces alanine 2720 with glycine.
Molecular consequence: missense variant.
Genome position (GRCh38, 1-based): chr8:47,831,920, G>C on the plus strand (C>G on the coding strand, the complement: PRKDC is on the minus strand). VCF-style: chr8-47831920-G-C. GRCh37 (hg19) VCF-style: chr8-48744481-G-C.
Other names: c.8159C>G, p.Ala2720Gly (NM_001081640.2); short protein forms A2720G.
Identifiers: ClinVar variation 3310093 (VCV003310093.1).